The following is an entry in ClinVar:

NM_001370466.1(NOD2):c.712A>T (p.Met238Leu)

Gene: NOD2 (nucleotide binding oligomerization domain containing 2; plus strand). Cytogenetic location: 16q12.1.
Variant type: single nucleotide variant.
Coding change: c.712A>T on transcript NM_001370466.1 (MANE Select); coding-DNA position 712, A replaced by T.
Protein change: p.Met238Leu; replaces methionine 238 with leucine.
Molecular consequence: missense variant. On other transcripts: non-coding transcript variant (1).
Genome position (GRCh38, 1-based): chr16:50,710,704, A>T. VCF-style: chr16-50710704-A-T. GRCh37 (hg19) VCF-style: chr16-50744615-A-T.
Other names: c.712A>T, p.Met238Leu (NM_001293557.2); c.793A>T, p.Met265Leu (NM_022162.3); short protein forms M238L, M265L.
Identifiers: ClinVar variation 1022922 (VCV001022922.9), dbSNP rs1964425967, ClinGen allele CA395867579.
Genomic context (GRCh38, chr16:50,710,704, plus strand): 5'-ACGCTCTGCCTGGAGGACATATACACAGAGAATGTCCTGGAGGTCTGGGCAGATGTGGGC[A>T]TGGCTGGACCCCCGCAGAAGAGCCCAGCCACCCTGGGCCTGGAGGAGCTCTTCAGCACCC-3'
Protein context (NP_001357395.1, residues 228-248): NVLEVWADVG[Met238Leu]AGPPQKSPAT

ClinVar aggregate classification (germline): Uncertain significance (1 of 4 stars; one submission).

Conditions:
Regional enteritis. Also called: Enteritis, Granulomatous. Identifiers: MedGen C0678202, MeSH D003424.
Blau syndrome (BLAUS). Also called: JABS SYNDROME; ARTHROCUTANEOUVEAL GRANULOMATOSIS; GRANULOMATOSIS, FAMILIAL JUVENILE SYSTEMIC; GRANULOMATOSIS, FAMILIAL, BLAU TYPE; GRANULOMATOUS INFLAMMATORY ARTHRITIS, DERMATITIS, AND UVEITIS, FAMILIAL. Identifiers: Orphanet 90340, MedGen C5201146, MONDO:0008523, OMIM 186580.

Allele frequency attached by ClinVar (database versions not stated): TOPMed below 0.00001.

Submission:

Labcorp Genetics (formerly Invitae), Labcorp
Classification: Uncertain significance for Regional enteritis; Blau syndrome. Last evaluated: 2024-05-02. Review status: criteria provided, single submitter. Criteria: Invitae Variant Classification Sherloc (09022015). Collection method: clinical testing. Allele origin: germline.
Comment: This sequence change replaces methionine, which is neutral and non-polar, with leucine, which is neutral and non-polar, at codon 265 of the NOD2 protein (p.Met265Leu). This variant is not present in population databases (gnomAD no frequency). This variant has not been reported in the literature in individuals affected with NOD2-related conditions. ClinVar contains an entry for this variant (Variation ID: 1022922). Advanced modeling of protein sequence and biophysical properties (such as structural, functional, and spatial information, amino acid conservation, physicochemical variation, residue mobility, and thermodynamic stability) performed at Invitae indicates that this missense variant is not expected to disrupt NOD2 protein function with a negative predictive value of 95%. In summary, the available evidence is currently insufficient to determine the role of this variant in disease. Therefore, it has been classified as a Variant of Uncertain Significance.